The following is an entry in ClinVar:

ClinVar aggregate classification (germline): Conflicting classifications of pathogenicity. Review status: criteria provided, conflicting classifications (1 of 4 stars). 8 submissions from 7 submitters: Uncertain significance (1); Benign (2); Likely benign (5). Last evaluated 2026-06-16.

Conditions:
Polyps, multiple and recurrent inflammatory fibroid, gastrointestinal. Identifiers: MedGen C5193005, MONDO:0008285, OMIM 175510.
Gastrointestinal stromal tumor. Also called: Gastrointestinal stromal tumor, somatic; Gastrointestinal stroma tumor. Identifiers: Orphanet 44890, MedGen C0238198, MeSH D046152, MONDO:0011719, OMIM 606764, HP:0100723.
Hereditary cancer-predisposing syndrome. Also called: Tumor predisposition; Hereditary Cancer Syndrome; Neoplastic Syndromes, Hereditary; Hereditary neoplastic syndrome. Identifiers: Orphanet 140162, MedGen C0027672, MeSH D009386, MONDO:0015356.
Idiopathic hypereosinophilic syndrome (HES). Identifiers: Orphanet 3260, MedGen C0206141, MONDO:0011895, OMIM 607685. Disease mechanism: gain of function.

Allele frequency attached by ClinVar (database versions not stated): gnomAD 0.00023 and 0.00024; TOPMed 0.00023; ExAC 0.00030; gnomAD exomes 0.00031 and 0.00037; ESP Exome Variant Server 0.00038.
gnomAD v4.1: 588 of 1,614,064 alleles (0.036%); highest among the groups gnomAD compares: Non-Finnish European, 0.043%; no homozygotes.

Submissions (8):

Myriad Genetics, Inc.
Classification: Benign for Polyps, multiple and recurrent inflammatory fibroid, gastrointestinal. Last evaluated: 2026-06-16. Review status: criteria provided, single submitter. Criteria: Myriad Autosomal Dominant, Autosomal Recessive and X-Linked Classification Criteria (2023). Collection method: clinical testing. Allele origin: unknown.
Comment: This variant is considered benign. This variant is a silent/synonymous amino acid change and it is not expected to impact splicing.

Labcorp Genetics (formerly Invitae), Labcorp
Classification: Likely benign for Gastrointestinal stromal tumor. Last evaluated: 2026-02-03. Review status: criteria provided, single submitter. Criteria: Invitae Variant Classification Sherloc (09022015). Collection method: clinical testing. Allele origin: germline.

Blueprint Genetics
Classification: Likely benign. Last evaluated: 2024-10-31. Review status: criteria provided, single submitter. Criteria: ACMG Guidelines, 2015. Collection method: clinical testing. Allele origin: germline.

CeGaT Center for Human Genetics Tuebingen
Classification: Likely benign. Last evaluated: 2024-02-01. Review status: criteria provided, single submitter. Criteria: CeGaT Center For Human Genetics Tuebingen Variant Classification Criteria Version 2. Collection method: clinical testing. Allele origin: germline. Affected: yes. Observed: 1 variant allele.
Comment: PDGFRA: BP4, BP7

Sema4
Classification: Likely benign for Hereditary cancer-predisposing syndrome. Last evaluated: 2021-05-10. Review status: criteria provided, single submitter. Criteria: Sema4 Curation Guidelines. Collection method: curation. Allele origin: germline.

Ambry Genetics
Classification: Likely benign for Hereditary cancer-predisposing syndrome. Last evaluated: 2018-11-12. Review status: criteria provided, single submitter. Criteria: Ambry Variant Classification Scheme 2023. Collection method: clinical testing. Allele origin: germline.

Illumina Laboratory Services, Illumina
Classification: Benign for Idiopathic hypereosinophilic syndrome. Last evaluated: 2018-01-13. Review status: criteria provided, single submitter. Criteria: ICSL Variant Classification Criteria 13 December 2019. Collection method: clinical testing. Allele origin: germline.
Comment: This variant was observed in the ICSL laboratory as part of a predisposition screen in an ostensibly healthy population. It had not been previously curated by ICSL or reported in the Human Gene Mutation Database (HGMD: prior to June 1st, 2018), and was therefore a candidate for classification through an automated scoring system. Utilizing variant allele frequency, disease prevalence and penetrance estimates, and inheritance mode, an automated score was calculated to assess if this variant is too frequent to cause the disease. Based on the score and internal cut-off values, a variant classified as benign is not then subjected to further curation. The score for this variant resulted in a classification of benign for this disease.

Illumina Laboratory Services, Illumina
Classification: Uncertain significance for Gastrointestinal stromal tumor. Last evaluated: 2018-01-13. Review status: criteria provided, single submitter. Criteria: ICSL Variant Classification Criteria 13 December 2019. Collection method: clinical testing. Allele origin: germline.

NM_006206.6(PDGFRA):c.801A>G (p.Pro267=)

Gene: PDGFRA (platelet derived growth factor receptor alpha; plus strand). Cytogenetic location: 4q12.
Variant type: single nucleotide variant.
Coding change: c.801A>G on transcript NM_006206.6 (MANE Select); coding-DNA position 801, A replaced by G.
Protein change: p.Pro267=; no amino-acid change (proline 267 retained).
Molecular consequence: synonymous variant.
Genome position (GRCh38, 1-based): chr4:54,267,330, A>G. VCF-style: chr4-54267330-A-G. GRCh37 (hg19) VCF-style: chr4-55133497-A-G.
Other names: c.801A>G, p.Pro267= (NM_001347827.2, NM_001347829.2); c.876A>G, p.Pro292= (NM_001347828.2); c.840A>G, p.Pro280= (NM_001347830.2).
Identifiers: ClinVar variation 240362 (VCV000240362.45), dbSNP rs55966236, ClinGen allele CA2922394.
Genomic context (GRCh38, chr4:54,267,330, plus strand): 5'-TCTTCCCCTTTTGCTGTAGAAAGGCAAAGGCATCACAATGCTGGAAGAAATCAAAGTCCC[A>G]TCCATCAAATTGGTGTACACTTTGACGGTCCCCGAGGCCACGGTGAAAGACAGTGGAGAT-3'
Protein context (NP_006197.1, residues 257-277): GITMLEEIKV[Pro267=]SIKLVYTLTV